The following is an entry in ClinVar:

ClinVar aggregate classification (germline): Likely pathogenic (1 of 4 stars; one submission).

Conditions:
Ehlers-Danlos syndrome, type 4 (EDSVASC). Also called: Ehlers-Danlos syndrome vascular type; Ehlers Danlos syndrome, ecchymotic type; Ehlers Danlos syndrome, arterial type; Ehlers Danlos syndrome, Sack-Barabas type; Ehlers-Danlos Syndrome Type IV. Identifiers: Orphanet 286, MedGen C0268338, MONDO:0017314, OMIM 130050.

Submission:

Labcorp Genetics (formerly Invitae), Labcorp
Classification: Likely pathogenic for Ehlers-Danlos syndrome, type 4. Last evaluated: 2020-12-23. Review status: criteria provided, single submitter. Criteria: Invitae Variant Classification Sherloc (09022015). Collection method: clinical testing. Allele origin: germline.
Comment: This sequence change replaces glycine with aspartic acid at codon 798 of the COL3A1 protein (p.Gly798Asp). The glycine residue is highly conserved and there is a moderate physicochemical difference between glycine and aspartic acid. This variant is not present in population databases (ExAC no frequency). This variant has not been reported in the literature in individuals with COL3A1-related conditions. Algorithms developed to predict the effect of missense changes on protein structure and function are either unavailable or do not agree on the potential impact of this missense change (SIFT: "Deleterious"; PolyPhen-2: "Not Available"; Align-GVGD: "Class C65"). This variant disrupts the triple helix domain of COL3A1. Glycine residues within the Gly-Xaa-Yaa repeats of the triple helix domain are required for the structure and stability of fibrillar collagens (PMID: 7695699, 8218237, 19344236). In COL3A1, variants that affect these glycine residues are significantly enriched in individuals with disease (PMID: 24922459, 25758994) compared to the general population (ExAC). In summary, the currently available evidence indicates that the variant is pathogenic, but additional data are needed to prove that conclusively. Therefore, this variant has been classified as Likely Pathogenic.

Literature cited by the submitters: PubMed 7695699; PubMed 8218237; PubMed 19344236; PubMed 24922459; PubMed 25758994.

NM_000090.4(COL3A1):c.2393G>A (p.Gly798Asp)

Genes: COL3A1 (collagen type III alpha 1 chain; plus strand), LOC126806446 (P300/CBP strongly-dependent group 1 enhancer GRCh37_chr2:189866210-189867409; plus strand). Cytogenetic location: 2q32.2.
Variant type: single nucleotide variant.
Coding change: c.2393G>A on transcript NM_000090.4 (MANE Select); coding-DNA position 2393, G replaced by A.
Protein change: p.Gly798Asp; replaces glycine 798 with aspartic acid.
Molecular consequence: missense variant.
Genome position (GRCh38, 1-based): chr2:189,002,299, G>A. VCF-style: chr2-189002299-G-A. GRCh37 (hg19) VCF-style: chr2-189867025-G-A.
Other names: short protein forms G798D.
Identifiers: ClinVar variation 1515058 (VCV001515058.8), dbSNP rs2153503300, ClinGen allele CA349842578.